The following is an entry in ClinVar:

NM_001244008.2(KIF1A):c.4638C>T (p.Asn1546=)

Gene: KIF1A (kinesin family member 1A; minus strand). Cytogenetic location: 2q37.3.
Variant type: single nucleotide variant.
Coding change: c.4638C>T on transcript NM_001244008.2 (MANE Select); coding-DNA position 4638, C replaced by T.
Protein change: p.Asn1546=; no amino-acid change (asparagine 1546 retained).
Molecular consequence: synonymous variant.
Genome position (GRCh38, 1-based): chr2:240,722,483, G>A on the plus strand (C>T on the coding strand, the complement: KIF1A is on the minus strand). VCF-style: chr2-240722483-G-A. GRCh37 (hg19) VCF-style: chr2-241661900-G-A.
Other names: c.4362C>T, p.Asn1454= (NM_001320705.2, NM_001379649.1); c.4389C>T, p.Asn1463= (NM_001330289.2); c.4437C>T, p.Asn1479= (NM_001330290.2, NM_001379648.1); c.4713C>T, p.Asn1571= (NM_001379631.1); c.4614C>T, p.Asn1538= (NM_001379632.1); c.4611C>T, p.Asn1537= (NM_001379633.1, NM_001379645.1); c.4464C>T, p.Asn1488= (NM_001379634.1); c.4461C>T, p.Asn1487= (NM_001379635.1, NM_001379646.1); and 8 more.
Identifiers: ClinVar variation 211289 (VCV000211289.22), dbSNP rs771217469, ClinGen allele CA208952.
Genomic context (GRCh38, chr2:240,722,483, plus strand): 5'-GCTACGGCTGTACTGCCCACCAGCTGGACCCACCTTGACGGCCAGCTCCCGCTGCCTCTC[G>A]TTGGGAGCCTCCAGGGGTGATGGGCGGCCCTCAGCCGAGAGCGGGGAGGAGGCGCTGGAG-3'
Protein context (NP_001230937.1, residues 1536-1556): EGRPSPLEAP[Asn1546=]ERQRELAVKC

ClinVar aggregate classification (germline): Conflicting classifications of pathogenicity. Review status: criteria provided, conflicting classifications (1 of 4 stars). 7 submissions from 7 submitters: Uncertain significance (1); Likely benign (5). 1 of the submissions does not count toward it. Last evaluated 2025-12-28.

Conditions:
KIF1A-related disorder. Also called: KIF1A-related disorders; KIF1A-related condition.
Inborn genetic diseases. Identifiers: MedGen C0950123, MeSH D030342.
Hereditary spastic paraplegia 30. Identifiers: Orphanet 101010, MedGen C5235139, MONDO:0012476.
Neuropathy, hereditary sensory, type 2C. Also called: Hereditary sensory and autonomic neuropathy type IIC; KIF1A-Related HSAN2 (HSAN2C). Identifiers: Orphanet 970, MedGen C3280168, MONDO:0013634, OMIM 614213.
Intellectual disability, autosomal dominant 9 (NESCAVS). Also called: NESCAV SYNDROME; KIF1A-Related Neurodevelopmental Disorder. Identifiers: Orphanet 662367, MedGen C5393830, MONDO:0013656, OMIM 614255.
Hereditary spastic paraplegia. Also called: Familial spastic paraparesis. Identifiers: Orphanet 685, MedGen C0037773, MONDO:0019064. Disease mechanism: loss of function.

Allele frequency attached by ClinVar (database versions not stated): gnomAD 0.00006 and 0.00007; TOPMed 0.00006; gnomAD exomes 0.00009; ExAC 0.00045.
gnomAD v4.1: 158 of 1,547,304 alleles (0.01%); highest among the groups gnomAD compares: South Asian, 0.057%; no homozygotes.

Submissions (7):

Labcorp Genetics (formerly Invitae), Labcorp
Classification: Likely benign for Hereditary spastic paraplegia 30; Neuropathy, hereditary sensory, type 2C; Intellectual disability, autosomal dominant 9. Last evaluated: 2025-12-28. Review status: criteria provided, single submitter. Criteria: Invitae Variant Classification Sherloc (09022015). Collection method: clinical testing. Allele origin: germline.

ARUP Laboratories, Molecular Genetics and Genomics, ARUP Laboratories
Classification: Likely benign. Last evaluated: 2024-12-11. Review status: criteria provided, single submitter. Criteria: ARUP Molecular Germline Variant Investigation Process 2024. Collection method: clinical testing. Allele origin: germline.

Blueprint Genetics
Classification: Likely benign. Last evaluated: 2024-09-17. Review status: criteria provided, single submitter. Criteria: ACMG Guidelines, 2015. Collection method: clinical testing. Allele origin: germline.

Ambry Genetics
Classification: Likely benign for Inborn genetic diseases. Last evaluated: 2019-07-11. Review status: criteria provided, single submitter. Criteria: Ambry Variant Classification Scheme 2023. Collection method: clinical testing. Allele origin: germline.

Genome Diagnostics Laboratory, The Hospital for Sick Children
Classification: Likely benign for Hereditary spastic paraplegia. Last evaluated: 2017-10-02. Review status: criteria provided, single submitter. Criteria: ACMG Guidelines, 2015. Collection method: clinical testing. Allele origin: germline. Affected: yes.

Genetic Services Laboratory, University of Chicago
Classification: Uncertain significance. Last evaluated: 2015-03-19. Review status: criteria provided, single submitter. Criteria: ACMG Guidelines, 2015. Collection method: clinical testing. Allele origin: germline.

PreventionGenetics, part of Exact Sciences
Classification: Likely benign for KIF1A-related condition. Last evaluated: 2024-09-28. Review status: no assertion criteria provided. Collection method: clinical testing. Allele origin: germline. Not counted in ClinVar's aggregate classification.
Comment: This variant is classified as likely benign based on ACMG/AMP sequence variant interpretation guidelines (Richards et al. 2015 PMID: 25741868, with internal and published modifications).